The following is an entry in ClinVar:

NM_000051.4(ATM):c.3955T>A (p.Tyr1319Asn)

Gene: ATM (ATM serine/threonine kinase; plus strand). Cytogenetic location: 11q22.3.
Variant type: single nucleotide variant.
Coding change: c.3955T>A on transcript NM_000051.4 (MANE Select); coding-DNA position 3955, T replaced by A.
Protein change: p.Tyr1319Asn; replaces tyrosine 1319 with asparagine.
Molecular consequence: missense variant.
Genome position (GRCh38, 1-based): chr11:108,284,435, T>A. VCF-style: chr11-108284435-T-A. GRCh37 (hg19) VCF-style: chr11-108155162-T-A.
Other names: c.3955T>A, p.Tyr1319Asn (NM_001351834.2); short protein forms Y1319N.
Identifiers: ClinVar variation 4825527 (VCV004825527.1).

ClinVar aggregate classification (germline): Uncertain significance (1 of 4 stars; one submission).

Conditions:
Hereditary cancer-predisposing syndrome. Also called: Neoplastic Syndromes, Hereditary; Tumor predisposition; Hereditary Cancer Syndrome; Hereditary neoplastic syndrome. Identifiers: Orphanet 140162, MedGen C0027672, MeSH D009386, MONDO:0015356.

Submission:

Ambry Genetics
Classification: Uncertain significance for Hereditary cancer-predisposing syndrome. Last evaluated: 2026-02-18. Review status: criteria provided, single submitter. Criteria: Ambry Variant Classification Scheme 2023. Collection method: clinical testing. Allele origin: germline.
Comment: The p.Y1319N variant (also known as c.3955T>A), located in coding exon 25 of the ATM gene, results from a T to A substitution at nucleotide position 3955. The tyrosine at codon 1319 is replaced by asparagine, an amino acid with dissimilar properties. This amino acid position is highly conserved in available vertebrate species. In addition, this alteration is predicted to be deleterious by in silico analysis. Based on the available evidence, the clinical significance of this variant remains unclear.